The following is an entry in ClinVar:

NM_007118.4(TRIO):c.7607C>T (p.Ser2536Phe)

Gene: TRIO (trio Rho guanine nucleotide exchange factor; plus strand). Cytogenetic location: 5p15.2.
Variant type: single nucleotide variant.
Coding change: c.7607C>T on transcript NM_007118.4 (MANE Select); coding-DNA position 7607, C replaced by T.
Protein change: p.Ser2536Phe; replaces serine 2536 with phenylalanine.
Molecular consequence: missense variant.
Genome position (GRCh38, 1-based): chr5:14,488,235, C>T. VCF-style: chr5-14488235-C-T. GRCh37 (hg19) VCF-style: chr5-14488344-C-T.
Other names: short protein forms S2536F.
Identifiers: ClinVar variation 5040613 (VCV005040613.1).
Genomic context (GRCh38, chr5:14,488,235, plus strand): 5'-ACGCGGCCCCTGGCAAGGATACTGACCGCATGAGCACGTGCTCCTCGGCCAGCGAGCAGT[C>T]CGTGCAGTCCACCCAGAGCAACGGGGTAAGCGCGTCGGGGGGCCCGCGCCCTCCCGCCCC-3'
Protein context (NP_009049.2, residues 2526-2546): MSTCSSASEQ[Ser2536Phe]VQSTQSNGSE

ClinVar aggregate classification (germline): Uncertain significance (1 of 4 stars; one submission).

Submission:

CeGaT Center for Human Genetics Tuebingen
Classification: Uncertain significance. Last evaluated: 2026-08-01. Review status: criteria provided, single submitter. Criteria: CeGaT Center For Human Genetics Tuebingen Variant Classification Criteria Version 2. Collection method: clinical testing. Allele origin: germline. Affected: yes. Observed: 1 variant allele.
Comment: TRIO: PM2